The following is an entry in ClinVar:

ClinVar aggregate classification (germline): Uncertain significance (1 of 4 stars; one submission).

gnomAD v4.1: 1 of 1,538,574 alleles (0.000065%); highest among the groups gnomAD compares: African/African-American, 0.0014%; no homozygotes.

Submission:

Labcorp Genetics (formerly Invitae), Labcorp
Classification: Uncertain significance. Last evaluated: 2024-03-06. Review status: criteria provided, single submitter. Criteria: Invitae Variant Classification Sherloc (09022015). Collection method: clinical testing. Allele origin: germline.
Comment: This sequence change replaces proline, which is neutral and non-polar, with alanine, which is neutral and non-polar, at codon 1773 of the CCDC88C protein (p.Pro1773Ala). This variant is not present in population databases (gnomAD no frequency). This variant has not been reported in the literature in individuals affected with CCDC88C-related conditions. An algorithm developed to predict the effect of missense changes on protein structure and function (PolyPhen-2) suggests that this variant is likely to be tolerated. In summary, the available evidence is currently insufficient to determine the role of this variant in disease. Therefore, it has been classified as a Variant of Uncertain Significance.

NM_001080414.4(CCDC88C):c.5317C>G (p.Pro1773Ala)

Gene: CCDC88C (coiled-coil and HOOK domain protein 88C; minus strand). Cytogenetic location: 14q32.11.
Variant type: single nucleotide variant.
Coding change: c.5317C>G on transcript NM_001080414.4 (MANE Select); coding-DNA position 5317, C replaced by G.
Protein change: p.Pro1773Ala; replaces proline 1773 with alanine.
Molecular consequence: missense variant. On other transcripts: non-coding transcript variant (2).
Genome position (GRCh38, 1-based): chr14:91,273,395, G>C on the plus strand (C>G on the coding strand, the complement: CCDC88C is on the minus strand). VCF-style: chr14-91273395-G-C. GRCh37 (hg19) VCF-style: chr14-91739739-G-C.
Other names: short protein forms P1773A.
Identifiers: ClinVar variation 3641365 (VCV003641365.2).
Genomic context (GRCh38, chr14:91,273,395, plus strand): 5'-CATGGGAAGCTGGGGGCACCGGAGCCTGCCGGGGTCTGCCCAGAGACAGGCTCTGGGGAG[G>C]CTGGGCCTGTCTCGGGGCCACGCTGGGTGGGGCCTCGGCCTCAGTCAGTCTGAAGTTTGG-3'
Protein context (NP_001073883.2, residues 1763-1783): PPSVAPRQAQ[Pro1773Ala]PQSLSLGRPR